The following is an entry in ClinVar:

NM_152783.5(D2HGDH):c.1066C>T (p.His356Tyr)

Gene: D2HGDH (D-2-hydroxyglutarate dehydrogenase; plus strand). Cytogenetic location: 2q37.3.
Variant type: single nucleotide variant.
Coding change: c.1066C>T on transcript NM_152783.5 (MANE Select); coding-DNA position 1066, C replaced by T.
Protein change: p.His356Tyr; replaces histidine 356 with tyrosine.
Molecular consequence: missense variant.
Genome position (GRCh38, 1-based): chr2:241,751,314, C>T. VCF-style: chr2-241751314-C-T. GRCh37 (hg19) VCF-style: chr2-242690729-C-T.
Other names: c.664C>T, p.His222Tyr (NM_001287249.2); c.505C>T, p.His169Tyr (NM_001352824.2); short protein forms H356Y, H222Y, H169Y.
Identifiers: ClinVar variation 158405 (VCV000158405.24), dbSNP rs144668507, ClinGen allele CA171814.

ClinVar aggregate classification (germline): Benign/Likely benign. Review status: criteria provided, multiple submitters, no conflicts (2 of 4 stars). 5 submissions from 5 submitters: Benign (2); Likely benign (2). 1 of the submissions does not count toward it. Last evaluated 2026-01-28.

Conditions:
D-2-hydroxyglutaric aciduria 1 (D2HGA1). Identifiers: Orphanet 79315, MedGen C3152055, MONDO:0024554, OMIM 600721.

Allele frequency attached by ClinVar (database versions not stated): gnomAD exomes 0.00159 and 0.00409; ExAC 0.00511; gnomAD 0.01683 and 0.01790; TOPMed 0.01853; 1000 Genomes Project 0.02037; ESP Exome Variant Server 0.02046; 1000 Genomes Project 30x 0.02280.
gnomAD v4.1: 4,963 of 1,613,946 alleles (0.31%); highest among the groups gnomAD compares: African/African-American, 5.9%; 129 homozygotes.

Submissions (5):

Labcorp Genetics (formerly Invitae), Labcorp
Classification: Benign for D-2-hydroxyglutaric aciduria 1. Last evaluated: 2026-01-28. Review status: criteria provided, single submitter. Criteria: Invitae Variant Classification Sherloc (09022015). Collection method: clinical testing. Allele origin: germline.

Illumina Laboratory Services, Illumina
Classification: Benign for D-2-hydroxyglutaric aciduria 1. Last evaluated: 2018-01-13. Review status: criteria provided, single submitter. Criteria: ICSL Variant Classification Criteria 13 December 2019. Collection method: clinical testing. Allele origin: germline.
Comment: This variant was observed in the ICSL laboratory as part of a predisposition screen in an ostensibly healthy population. It had not been previously curated by ICSL or reported in the Human Gene Mutation Database (HGMD: prior to June 1st, 2018), and was therefore a candidate for classification through an automated scoring system. Utilizing variant allele frequency, disease prevalence and penetrance estimates, and inheritance mode, an automated score was calculated to assess if this variant is too frequent to cause the disease. Based on the score and internal cut-off values, a variant classified as benign is not then subjected to further curation. The score for this variant resulted in a classification of benign for this disease.

Genetic Services Laboratory, University of Chicago
Classification: Likely benign. Last evaluated: 2013-10-31. Review status: criteria provided, single submitter. Criteria: ACMG Guidelines, 2007. Collection method: clinical testing. Allele origin: germline. Inheritance: Autosomal recessive inheritance.
Comment: Likely benign based on allele frequency in 1000 Genomes Project or ESP global frequency and its presence in a patient with a rare or unrelated disease phenotype. NOT Sanger confirmed

Breakthrough Genomics
Classification: Likely benign. Review status: criteria provided, single submitter. Criteria: ACMG Guidelines, 2015. Collection method: not provided. Allele origin: germline. Inheritance: Autosomal recessive inheritance. Affected: yes.

Mayo Clinic Laboratories, Mayo Clinic
Classification: Benign. Last evaluated: 2017-08-04. Review status: no assertion criteria provided. Collection method: clinical testing. Allele origin: unknown. Not counted in ClinVar's aggregate classification.